The following is an entry in ClinVar:

NM_017755.6(NSUN2):c.22C>T (p.Arg8Trp)

Gene: NSUN2 (NOP2/Sun RNA methyltransferase 2; minus strand). Cytogenetic location: 5p15.31.
Variant type: single nucleotide variant.
Coding change: c.22C>T on transcript NM_017755.6 (MANE Select); coding-DNA position 22, C replaced by T.
Protein change: p.Arg8Trp; replaces arginine 8 with tryptophan.
Molecular consequence: missense variant. On other transcripts: non-coding transcript variant (1).
Genome position (GRCh38, 1-based): chr5:6,632,958, G>A on the plus strand (C>T on the coding strand, the complement: NSUN2 is on the minus strand). VCF-style: chr5-6632958-G-A. GRCh37 (hg19) VCF-style: chr5-6633071-G-A.
Other names: c.22C>T, p.Arg8Trp (NM_001193455.2); short protein forms R8W.
Identifiers: ClinVar variation 354063 (VCV000354063.23), dbSNP rs181415619, ClinGen allele CA3192963.

ClinVar aggregate classification (germline): Benign. Review status: criteria provided, multiple submitters, no conflicts (2 of 4 stars). 6 submissions from 6 submitters: Benign (5). 1 of the submissions does not count toward it. Last evaluated 2026-02-03.

Conditions:
NSUN2-related disorder. Also called: NSUN2-related condition.
Inborn genetic diseases. Identifiers: MedGen C0950123, MeSH D030342.
Intellectual developmental disorder, autosomal recessive 5. Also called: Intellectual disability, autosomal recessive 5. Identifiers: Orphanet 88616, MedGen C1970199, MONDO:0012613, OMIM 611091.

Allele frequency attached by ClinVar (database versions not stated): gnomAD exomes 0.00288; gnomAD 0.02115 and 0.02251; 1000 Genomes Project 30x 0.02577; ExAC 0.00373; ESP Exome Variant Server 0.01823; 1000 Genomes Project 0.02496; TOPMed 0.02435.
gnomAD v4.1: 5,693 of 1,492,594 alleles (0.38%); highest among the groups gnomAD compares: African/African-American, 7.5%; 208 homozygotes.

Submissions (6):

Labcorp Genetics (formerly Invitae), Labcorp
Classification: Benign. Last evaluated: 2026-02-03. Review status: criteria provided, single submitter. Criteria: Invitae Variant Classification Sherloc (09022015). Collection method: clinical testing. Allele origin: germline.

GeneDx
Classification: Benign. Last evaluated: 2018-12-01. Review status: criteria provided, single submitter. Criteria: GeneDx Variant Classification Process June 2021. Collection method: clinical testing. Allele origin: germline. Affected: yes.

Illumina Laboratory Services, Illumina
Classification: Benign for Intellectual developmental disorder, autosomal recessive 5. Last evaluated: 2018-01-13. Review status: criteria provided, single submitter. Criteria: ICSL Variant Classification Criteria 13 December 2019. Collection method: clinical testing. Allele origin: germline.
Comment: This variant was observed in the ICSL laboratory as part of a predisposition screen in an ostensibly healthy population. It had not been previously curated by ICSL or reported in the Human Gene Mutation Database (HGMD: prior to June 1st, 2018), and was therefore a candidate for classification through an automated scoring system. Utilizing variant allele frequency, disease prevalence and penetrance estimates, and inheritance mode, an automated score was calculated to assess if this variant is too frequent to cause the disease. Based on the score and internal cut-off values, a variant classified as benign is not then subjected to further curation. The score for this variant resulted in a classification of benign for this disease.

Ambry Genetics
Classification: Benign for Inborn genetic diseases. Last evaluated: 2017-04-13. Review status: criteria provided, single submitter. Criteria: Ambry Variant Classification Scheme 2023. Collection method: clinical testing. Allele origin: germline.

Breakthrough Genomics
Classification: Benign. Review status: criteria provided, single submitter. Criteria: ACMG Guidelines, 2015. Collection method: not provided. Allele origin: germline. Inheritance: Autosomal recessive inheritance. Affected: yes.

PreventionGenetics, part of Exact Sciences
Classification: Benign for NSUN2-related condition. Last evaluated: 2019-08-14. Review status: no assertion criteria provided. Collection method: clinical testing. Allele origin: germline. Not counted in ClinVar's aggregate classification.
Comment: This variant is classified as benign based on ACMG/AMP sequence variant interpretation guidelines (Richards et al. 2015 PMID: 25741868, with internal and published modifications).